The following is an entry in ClinVar:

ClinVar aggregate classification (germline): Conflicting classifications of pathogenicity. Review status: criteria provided, conflicting classifications (1 of 4 stars). 3 submissions from 3 submitters: Uncertain significance (2); Benign (1). Last evaluated 2025-06-08.

Conditions:
Oto-palato-digital syndrome, type II (OPD2). Also called: Otopalatodigital Syndrome, Type II; FACIOPALATOOSSEOUS SYNDROME; OPD II SYNDROME; Otopalatodigital Syndrome Type 2 (FLNA-OPD2). Identifiers: Orphanet 669, Orphanet 90652, MedGen C1844696, MONDO:0010571, OMIM 304120.
Frontometaphyseal dysplasia (FMD1). Identifiers: Orphanet 1826, MedGen C0265293, MONDO:0015942.
Heterotopia, periventricular, X-linked dominant (PVNH1). Also called: PERIVENTRICULAR NODULAR HETEROTOPIA 1; X-linked periventricular heterotopia; PERIVENTRICULAR NODULAR HETEROTOPIA 4; HETEROTOPIA, PERIVENTRICULAR, 1. Identifiers: Orphanet 2149, Orphanet 82004, MedGen C1848213, MONDO:0010233, OMIM 300049.
Melnick-Needles syndrome (MNS). Also called: MELNICK-NEEDLES OSTEODYSPLASTY; OSTEODYSPLASTY OF MELNICK AND NEEDLES; Melnick-Needles Syndrome (FLNA-MNS). Identifiers: Orphanet 2484, MedGen C0025237, MONDO:0010650, OMIM 309350.

Allele frequency attached by ClinVar (database versions not stated): gnomAD 0.00001; gnomAD exomes 0.00001; TOPMed 0.00001.
gnomAD v4.1: 9 of 1,205,500 alleles (0.00075%); highest among the groups gnomAD compares: South Asian, 0.0053%; no homozygotes.

Submissions (3):

Labcorp Genetics (formerly Invitae), Labcorp
Classification: Benign for Oto-palato-digital syndrome, type II; Heterotopia, periventricular, X-linked dominant; Frontometaphyseal dysplasia; Melnick-Needles syndrome. Last evaluated: 2025-06-08. Review status: criteria provided, single submitter. Criteria: Invitae Variant Classification Sherloc (09022015). Collection method: clinical testing. Allele origin: germline.

ARUP Laboratories, Molecular Genetics and Genomics, ARUP Laboratories
Classification: Uncertain significance. Last evaluated: 2020-04-09. Review status: criteria provided, single submitter. Criteria: ARUP Molecular Germline Variant Investigation Process. Collection method: clinical testing. Allele origin: germline.
Comment: The FLNA c.4973T>C; p.Ile1658Thr variant (rs863223639), to our knowledge, is not reported in the medical literature but is reported in ClinVar (Variation ID: 213508). This variant is only observed on one allele in the Genome Aggregation Database, indicating it is not a common polymorphism. The isoleucine at codon 1658 is highly conserved, but computational analyses (SIFT, PolyPhen-2) predict that this variant is tolerated. Due to limited information, the clinical significance of the p.Ile1658Thr variant is uncertain at this time.

GeneDx
Classification: Uncertain significance. Last evaluated: 2015-07-16. Review status: criteria provided, single submitter. Criteria: GeneDx Variant Classification (06012015). Collection method: clinical testing. Allele origin: germline. Affected: yes.
Comment: The I1658T variant in the FLNA gene has not been published as a mutation, nor has it been reported as a benign polymorphism to our knowledge. The I1658T variant was not observed in approximately 6,300 individuals of European and African American ancestry in the NHLBI Exome Sequencing Project, indicating it is not a common benign variant in these populations. The I1658T variant is a non-conservative amino acid substitution, which is likely to impact secondary protein structure as these residues differ in polarity, charge, size and/or other properties. This substitution occurs at a position conserved in mammals. In silico analysis is inconsistent in its predictions as to whether or not the variant is damaging to the protein structure/function. We interpret I1658T as a variant of unknown significance. This variant was found in FLNA

NM_001110556.2(FLNA):c.4997T>C (p.Ile1666Thr)

Gene: FLNA (filamin A; minus strand). Cytogenetic location: Xq28.
Variant type: single nucleotide variant.
Coding change: c.4997T>C on transcript NM_001110556.2 (MANE Select); coding-DNA position 4997, T replaced by C.
Protein change: p.Ile1666Thr; replaces isoleucine 1666 with threonine.
Molecular consequence: missense variant.
Genome position (GRCh38, 1-based): chrX:154,355,045, A>G on the plus strand (T>C on the coding strand, the complement: FLNA is on the minus strand). VCF-style: chrX-154355045-A-G. GRCh37 (hg19) VCF-style: chrX-153583413-A-G.
Other names: p.I1658T:ATT>ACT; c.4973T>C, p.Ile1658Thr (NM_001456.4); short protein forms I1658T, I1666T.
Identifiers: ClinVar variation 213508 (VCV000213508.17), dbSNP rs863223639, ClinGen allele CA319891.